The following is an entry in ClinVar:

NM_017636.4(TRPM4):c.3391A>G (p.Asn1131Asp)

Gene: TRPM4 (transient receptor potential cation channel subfamily M member 4; plus strand). Cytogenetic location: 19q13.33.
Variant type: single nucleotide variant.
Coding change: c.3391A>G on transcript NM_017636.4 (MANE Select); coding-DNA position 3391, A replaced by G.
Protein change: p.Asn1131Asp; replaces asparagine 1131 with aspartic acid.
Molecular consequence: missense variant.
Genome position (GRCh38, 1-based): chr19:49,210,772, A>G. VCF-style: chr19-49210772-A-G. GRCh37 (hg19) VCF-style: chr19-49714029-A-G.
Other names: c.2956A>G, p.Asn986Asp (NM_001195227.2); c.3046A>G, p.Asn1016Asp (NM_001321281.2); c.1783A>G, p.Asn595Asp (NM_001321282.2); c.2869A>G, p.Asn957Asp (NM_001321283.2); c.2329A>G, p.Asn777Asp (NM_001321285.2); short protein forms N595D, N777D, N957D, N986D, N1016D, N1131D.
Identifiers: ClinVar variation 2625626 (VCV002625626.2), dbSNP rs1969329254, ClinGen allele CA406773111.

ClinVar aggregate classification (germline): Uncertain significance (1 of 4 stars; one submission).

Conditions:
Cardiovascular phenotype. Identifiers: MedGen CN230736.

Allele frequency attached by ClinVar (database versions not stated): gnomAD exomes below 0.00001.
gnomAD v4.1: 2 of 1,614,056 alleles (0.00012%); highest among the groups gnomAD compares: Non-Finnish European, 0.00017%; no homozygotes.

Submission:

Ambry Genetics
Classification: Uncertain significance for Cardiovascular phenotype. Last evaluated: 2023-09-13. Review status: criteria provided, single submitter. Criteria: Ambry Variant Classification Scheme 2023. Collection method: clinical testing. Allele origin: germline.
Comment: The p.N1131D variant (also known as c.3391A>G), located in coding exon 22 of the TRPM4 gene, results from an A to G substitution at nucleotide position 3391. The asparagine at codon 1131 is replaced by aspartic acid, an amino acid with highly similar properties. This amino acid position is not well conserved in available vertebrate species. In addition, this alteration is predicted to be tolerated by in silico analysis. Since supporting evidence is limited at this time, the clinical significance of this alteration remains unclear.